The following is an entry in ClinVar:

NM_000059.4(BRCA2):c.3262C>T (p.Pro1088Ser)

Gene: BRCA2 (BRCA2 DNA repair associated; plus strand). Cytogenetic location: 13q13.1.
Variant type: single nucleotide variant.
Coding change: c.3262C>T on transcript NM_000059.4 (MANE Select); coding-DNA position 3262, C replaced by T.
Protein change: p.Pro1088Ser; replaces proline 1088 with serine.
Molecular consequence: missense variant.
Genome position (GRCh38, 1-based): chr13:32,337,617, C>T. VCF-style: chr13-32337617-C-T. GRCh37 (hg19) VCF-style: chr13-32911754-C-T.
Other names: p.P1088S:CCT>TCT; 3490C>T; short protein forms P1088S.
Identifiers: ClinVar variation 37829 (VCV000037829.74), dbSNP rs80358572, ClinGen allele CA017647.

ClinVar aggregate classification (germline): Conflicting classifications of pathogenicity. Review status: criteria provided, conflicting classifications (1 of 4 stars). 26 submissions from 26 submitters: Uncertain significance (2); Benign (3); Likely benign (13). 8 of the submissions do not count toward it. Last evaluated 2026-04-01.

Conditions:
BRCA2-related cancer predisposition. Identifiers: MedGen CN377758, MONDO:0700269.
BRCA2-related disorder. Also called: BRCA2-related condition; BRCA2-related disorders. Identifiers: MedGen CN239275.
Hereditary cancer-predisposing syndrome. Also called: Neoplastic Syndromes, Hereditary; Tumor predisposition; Hereditary Cancer Syndrome; Hereditary neoplastic syndrome. Identifiers: Orphanet 140162, MedGen C0027672, MeSH D009386, MONDO:0015356.
Hereditary breast ovarian cancer syndrome. Also called: Hereditary breast and ovarian cancer; Breast and ovarian cancer; Hereditary breast and/or ovarian cancer syndrome; Hereditary breast and ovarian cancer syndrome (HBOC); Hereditary breast and ovarian cancer syndrome; BRCA1- and BRCA2-Associated Hereditary Breast and Ovarian Cancer. Identifiers: Orphanet 145, MedGen C0677776, MeSH D061325, MONDO:0003582. Disease mechanism: loss of function.
Breast-ovarian cancer, familial, susceptibility to, 2 (BROVCA2). Also called: BRCA2 Hereditary Breast and Ovarian Cancer. Identifiers: Orphanet 145, MedGen C2675520, MONDO:0012933, OMIM 612555. Disease mechanism: loss of function.

Allele frequency attached by ClinVar (database versions not stated): ExAC 0.00001; TOPMed 0.00006; gnomAD 0.00009.

Submissions 1 to 11 of 26:

CeGaT Center for Human Genetics Tuebingen
Classification: Uncertain significance. Last evaluated: 2026-04-01. Review status: criteria provided, single submitter. Criteria: CeGaT Center For Human Genetics Tuebingen Variant Classification Criteria Version 2. Collection method: clinical testing. Allele origin: germline. Affected: yes. Observed: 2 variant alleles.
Comment: BRCA2: PM2, BP4

Labcorp Genetics (formerly Invitae), Labcorp
Classification: Benign for Hereditary breast ovarian cancer syndrome. Last evaluated: 2026-01-27. Review status: criteria provided, single submitter. Criteria: Invitae Variant Classification Sherloc (09022015). Collection method: clinical testing. Allele origin: germline.

PreventionGenetics, part of Exact Sciences
Classification: Likely benign for BRCA2-related condition. Last evaluated: 2024-11-06. Review status: criteria provided, single submitter. Criteria: ACMG Guidelines, 2015. Collection method: clinical testing. Allele origin: germline.
Comment: This variant is classified as likely benign based on ACMG/AMP sequence variant interpretation guidelines (Richards et al. 2015 PMID: 25741868, with internal and published modifications).

Molecular Diagnostics Laboratory, Catalan Institute of Oncology
Classification: Uncertain significance for Hereditary cancer-predisposing syndrome. Last evaluated: 2024-10-21. Review status: criteria provided, single submitter. Criteria: ClinGen BRCA1BRCA2 ACMG Specifications BRCA2 V1.0.0. Collection method: clinical testing. Allele origin: germline.
Comment: PP4_Supporting, BP1_Strong c.3262C>T, located in exon 11 of the BRCA2 gene, is predicted to result in the substitution of Proline by Serine at codon 1088, p.(Pro1088Ser). This position is outside a (potentially) clinically important functional domain and, moreover, the SpliceAI algorithm predicts no significant impact on splicing (BP1_strong).c.3262C>T, located in exon 11 of the BRCA2 gene, is predicted to result in the substitution of proline by serine at codon 1088, p.(Pro1088Ser). This position is outside a (potentially) clinically important functional domain and, moreover, the SpliceAI algorithm predicts no significant impact on splicing (BP1_strong). This variant is found in 10/250152 alleles at a frequency of 0.0039% in the gnomAD v2.1.1 database, non-cancer dataset. Published clinical data for a multifactorial likelihood analysis (PMID: 31131967) showed a combined LR indicative of supporting evidence towards pathogenicity (LR 2.31), based on segregation (LR 0.946), tumour characteristics (LR 1.897), co-occurrence (LR 1.707) and family history (LR 0.75) (PP4_Supporting). This variant has been reported in the ClinVar database (3x uncertain significance, 9x likely benign and 3x benign) in the LOVD database (1x uncertain significance, 1x not classified and 1x likely benign) and in BRCA Exchange database as not yet reviewed Based on currently available information, the variant c.3262C>T should be considered a likely benign variant.

German Consortium for Hereditary Breast and Ovarian Cancer, University Hospital Cologne
Classification: Likely benign for Hereditary breast ovarian cancer syndrome. Last evaluated: 2023-12-19. Review status: criteria provided, single submitter. Criteria: ClinGen BRCA2 V1.0.0. Collection method: curation. Allele origin: germline.
Comment: BRCA2 "coldspot" variant. According to the ClinGen ENIGMA BRCA2 v1.0.0 criteria we chose these criteria: BP1 (strong benign): missense outside a (potentially) clinically important functional domain AND no splicing predicted (SpliceAI ≤0.1), BS1 (supporting benign): FAF > 0.00002

Blueprint Genetics
Classification: Likely benign. Last evaluated: 2023-12-06. Review status: criteria provided, single submitter. Criteria: ACMG Guidelines, 2015. Collection method: clinical testing. Allele origin: germline.

University of Washington Department of Laboratory Medicine, University of Washington
Classification: Likely benign for Hereditary cancer-predisposing syndrome. Last evaluated: 2023-03-23. Review status: criteria provided, single submitter. Criteria: Dines et al. (Genet Med. 2020). Collection method: curation. Allele origin: germline.
Comment: Missense variant in a coldspot region where missense variants are very unlikely to be pathogenic (PMID:31911673).

BRCA2 exon 11 coldspot. Reclassification based on statistical prior probability.

ARUP Laboratories, Molecular Genetics and Genomics, ARUP Laboratories
Classification: Likely benign. Last evaluated: 2023-03-02. Review status: criteria provided, single submitter. Criteria: ARUP Molecular Germline Variant Investigation Process 2024. Collection method: clinical testing. Allele origin: germline.

Quest Diagnostics Nichols Institute San Juan Capistrano
Classification: Likely benign. Last evaluated: 2022-09-06. Review status: criteria provided, single submitter. Criteria: Quest Diagnostics criteria. Collection method: clinical testing. Allele origin: unknown.

Victorian Clinical Genetics Services, Murdoch Childrens Research Institute
Classification: Likely benign for Breast-ovarian cancer, familial, susceptibility to, 2. Last evaluated: 2022-02-02. Review status: criteria provided, single submitter. Criteria: ACMG Guidelines, 2015. Collection method: clinical testing. Allele origin: germline.
Comment: Based on the classification scheme VCGS_Germline_v1.3.4, this variant is classified as Likely Benign. Following criteria are met: 0102 - Loss of function is a known mechanism of disease in this gene and is associated with BRCA2-associated cancers, complementation group D1 fanconi anemia (MIM#605724) and Wilms tumor (MIM#194070). (I) 0108 - This gene is associated with both recessive and dominant disease (OMIM). (I) 0112 - The condition associated with this gene has incomplete penetrance (OMIM). (I) 0200 - Variant is predicted to result in a missense amino acid change from proline to serine. (I) 0251 - This variant is heterozygous. (I) 0302 - Variant is present in gnomAD (v3) <0.001 for a condition (13 heterozygotes, 0 homozygotes). (SP) 0309 - An alternative amino acid change at the same position has been observed in gnomAD (v2) (1 heterozygote, 0 homozygotes). (I) 0504 - Same amino acid change has been observed in placental mammals. (SB) 0604 - Variant is not located in an established domain, motif, hotspot or informative constraint region. (I) 0710 - Other missense variants comparable to the one identified in this case have inconclusive previous evidence for pathogenicity. These alternative changes (p.Pro1088Ala, p.Pro1088Leu) have been reported as VUS (ClinVar). (I) 0808 - Previous reports of pathogenicity for this variant are conflicting. This variant has been reported multiple times as likely benign, benign and as a VUS (LOVD, ClinVar, PMID: 31131967), and has been observed to be equally distributed among cancer cohorts and controls (PMID: 33471991). (I) Legend: (SP) - Supporting pathogenic, (I) - Information, (SB) - Supporting benign

Sema4
Classification: Likely benign for Hereditary cancer-predisposing syndrome. Last evaluated: 2022-01-10. Review status: criteria provided, single submitter. Criteria: Sema4 Curation Guidelines. Collection method: curation. Allele origin: germline.